The following is an entry in ClinVar:

NM_001384140.1(PCDH15):c.4201C>G (p.Gln1401Glu)

Gene: PCDH15 (protocadherin related 15; minus strand). Cytogenetic location: 10q21.1.
Variant type: single nucleotide variant.
Coding change: c.4201C>G on transcript NM_001384140.1 (MANE Select); coding-DNA position 4201, C replaced by G.
Protein change: p.Gln1401Glu; replaces glutamine 1401 with glutamic acid.
Molecular consequence: missense variant.
Genome position (GRCh38, 1-based): chr10:53,831,316, G>C on the plus strand (C>G on the coding strand, the complement: PCDH15 is on the minus strand). VCF-style: chr10-53831316-G-C. GRCh37 (hg19) VCF-style: chr10-55591076-G-C.
Other names: c.4216C>G, p.Gln1406Glu (NM_001142763.2, NM_001142771.2); c.4201C>G, p.Gln1401Glu (NM_001142764.2, NM_001142766.2, NM_001142770.3 and 4 more transcripts); c.3988C>G, p.Gln1330Glu (NM_001142765.2); c.4090C>G, p.Gln1364Glu (NM_001142767.2); c.4135C>G, p.Gln1379Glu (NM_001142768.2, NM_001142773.2, NM_001354404.2); c.4237C>G, p.Gln1413Glu (NM_001142769.4); c.4222C>G, p.Gln1408Glu (NM_001354411.2); short protein forms Q1413E, Q1330E, Q1364E, Q1408E, Q1401E, Q1379E, Q1406E.
Identifiers: ClinVar variation 1477206 (VCV001477206.6), dbSNP rs2077002696, ClinGen allele CA376528168.

ClinVar aggregate classification (germline): Uncertain significance (1 of 4 stars; one submission).

Submission:

Labcorp Genetics (formerly Invitae), Labcorp
Classification: Uncertain significance. Last evaluated: 2025-03-17. Review status: criteria provided, single submitter. Criteria: Invitae Variant Classification Sherloc (09022015). Collection method: clinical testing. Allele origin: germline.
Comment: This sequence change replaces glutamine, which is neutral and polar, with glutamic acid, which is acidic and polar, at codon 1401 of the PCDH15 protein (p.Gln1401Glu). This variant is not present in population databases (gnomAD no frequency). This variant has not been reported in the literature in individuals affected with PCDH15-related conditions. ClinVar contains an entry for this variant (Variation ID: 1477206). Invitae Evidence Modeling of protein sequence and biophysical properties (such as structural, functional, and spatial information, amino acid conservation, physicochemical variation, residue mobility, and thermodynamic stability) indicates that this missense variant is not expected to disrupt PCDH15 protein function with a negative predictive value of 95%. In summary, the available evidence is currently insufficient to determine the role of this variant in disease. Therefore, it has been classified as a Variant of Uncertain Significance.